The following is an entry in ClinVar:

ClinVar aggregate classification (germline): Uncertain significance (1 of 4 stars; one submission).

Allele frequency attached by ClinVar (database versions not stated): TOPMed below 0.00001.

Submission:

Labcorp Genetics (formerly Invitae), Labcorp
Classification: Uncertain significance. Last evaluated: 2023-09-03. Review status: criteria provided, single submitter. Criteria: Invitae Variant Classification Sherloc (09022015). Collection method: clinical testing. Allele origin: germline.
Comment: An algorithm developed to predict the effect of missense changes on protein structure and function (PolyPhen-2) suggests that this variant is likely to be disruptive. In summary, the available evidence is currently insufficient to determine the role of this variant in disease. Therefore, it has been classified as a Variant of Uncertain Significance. This variant has not been reported in the literature in individuals affected with LAMA1-related conditions. This sequence change replaces asparagine, which is neutral and polar, with aspartic acid, which is acidic and polar, at codon 128 of the LAMA1 protein (p.Asn128Asp). This variant is not present in population databases (gnomAD no frequency).

NM_005559.4(LAMA1):c.382A>G (p.Asn128Asp)

Gene: LAMA1 (laminin subunit alpha 1; minus strand). Cytogenetic location: 18p11.31.
Variant type: single nucleotide variant.
Coding change: c.382A>G on transcript NM_005559.4 (MANE Select); coding-DNA position 382, A replaced by G.
Protein change: p.Asn128Asp; replaces asparagine 128 with aspartic acid.
Molecular consequence: missense variant.
Genome position (GRCh38, 1-based): chr18:7,050,900, T>C on the plus strand (A>G on the coding strand, the complement: LAMA1 is on the minus strand). VCF-style: chr18-7050900-T-C. GRCh37 (hg19) VCF-style: chr18-7050899-T-C.
Other names: short protein forms N128D.
Identifiers: ClinVar variation 2811503 (VCV002811503.3), dbSNP rs2058060203, ClinGen allele CA401843706.